The following is an entry in ClinVar:

ClinVar aggregate classification (germline): Uncertain significance (1 of 4 stars; one submission).

Submission:

Labcorp Genetics (formerly Invitae), Labcorp
Classification: Uncertain significance. Last evaluated: 2024-04-10. Review status: criteria provided, single submitter. Criteria: Invitae Variant Classification Sherloc (09022015). Collection method: clinical testing. Allele origin: germline.
Comment: This sequence change replaces proline, which is neutral and non-polar, with alanine, which is neutral and non-polar, at codon 93 of the NFKB1 protein (p.Pro93Ala). This variant is not present in population databases (gnomAD no frequency). This variant has not been reported in the literature in individuals affected with NFKB1-related conditions. Advanced modeling of protein sequence and biophysical properties (such as structural, functional, and spatial information, amino acid conservation, physicochemical variation, residue mobility, and thermodynamic stability) performed at Invitae indicates that this missense variant is not expected to disrupt NFKB1 protein function with a negative predictive value of 80%. In summary, the available evidence is currently insufficient to determine the role of this variant in disease. Therefore, it has been classified as a Variant of Uncertain Significance.

NM_003998.4(NFKB1):c.277C>G (p.Pro93Ala)

Gene: NFKB1 (nuclear factor kappa B subunit 1; plus strand). Cytogenetic location: 4q24.
Variant type: single nucleotide variant.
Coding change: c.277C>G on transcript NM_003998.4 (MANE Select); coding-DNA position 277, C replaced by G.
Protein change: p.Pro93Ala; replaces proline 93 with alanine.
Molecular consequence: missense variant.
Genome position (GRCh38, 1-based): chr4:102,567,005, C>G. VCF-style: chr4-102567005-C-G. GRCh37 (hg19) VCF-style: chr4-103488162-C-G.
Other names: c.274C>G, p.Pro92Ala (NM_001165412.2, NM_001319226.2, NM_001382627.1); c.277C>G, p.Pro93Ala (NM_001382625.1, NM_001382626.1); c.235C>G, p.Pro79Ala (NM_001382628.1); short protein forms P79A, P92A, P93A.
Identifiers: ClinVar variation 3684352 (VCV003684352.2).